The following is an entry in ClinVar:

ClinVar aggregate classification (germline): Uncertain significance (1 of 4 stars; one submission).

Conditions:
Familial intrahepatic cholestasis. Identifiers: Orphanet 284385, MedGen CN296401, MONDO:0017290.

Submission:

Genomenon, Inc
Classification: Uncertain significance for Familial intrahepatic cholestasis. Last evaluated: 2026-04-14. Review status: criteria provided, single submitter. Criteria: Genomenon Sequence Variant Interpretation Standards - Updated. Collection method: curation. Allele origin: germline. Affected: yes.
Comment: ABCB4 c.3487-3C>G is an intronic variant located in the acceptor splice region of intron 26. This variant has been observed in at least one proband with an ABCB4-related disorder (PMID:34942279). It is absent or not present at a significant frequency in gnomAD. In silico models predict that this variant is possibly or probably damaging. In conclusion, we classify ABCB4 c.3487-3C>G as a variant of uncertain significance.

Literature cited by the submitters: PubMed 34942279.

NM_000443.4(ABCB4):c.3487-3C>G

Gene: ABCB4 (ATP binding cassette subfamily B member 4; minus strand). Cytogenetic location: 7q21.12.
Variant type: single nucleotide variant.
Coding change: c.3487-3C>G on transcript NM_000443.4 (MANE Select); 3 bases into the intron before coding-DNA position 3487, C replaced by G.
Molecular consequence: intron variant.
Genome position (GRCh38, 1-based): chr7:87,403,284, G>C on the plus strand (C>G on the coding strand, the complement: ABCB4 is on the minus strand). VCF-style: chr7-87403284-G-C. GRCh37 (hg19) VCF-style: chr7-87032600-G-C.
Other names: c.3346-3C>G (NM_018850.3); c.3508-3C>G (NM_018849.3).
Identifiers: ClinVar variation 4846371 (VCV004846371.1).